The following is an entry in ClinVar:

ClinVar aggregate classification (germline): Uncertain significance (1 of 4 stars; one submission).

Conditions:
Epidermolysis bullosa simplex 4, localized or generalized intermediate, autosomal recessive. Also called: Epidermolysis bullosa, nonspecific, autosomal recessive. Identifiers: Orphanet 412189, MedGen C3554367, MONDO:0014014, OMIM 615028.

gnomAD v4.1: 8 of 1,614,010 alleles (0.0005%); highest among the groups gnomAD compares: East Asian, 0.0022%; no homozygotes.

Submission:

Juno Genomics, Hangzhou Juno Genomics, Inc
Classification: Uncertain significance for Epidermolysis bullosa simplex 4, localized or generalized intermediate, autosomal recessive. Review status: criteria provided, single submitter. Criteria: ACMG Guidelines, 2015. Collection method: clinical testing. Allele origin: germline.
Comment: Null variant in a gene where loss of function (LOF) is a known mechanism of disease.;Absent from controls (or at extremely low frequency if recessive) in Genome Aggregation Database.

NM_015065.3(EXPH5):c.1357C>T (p.Gln453Ter)

Gene: EXPH5 (exophilin 5; minus strand). Cytogenetic location: 11q22.3.
Variant type: single nucleotide variant.
Coding change: c.1357C>T on transcript NM_015065.3 (MANE Select); coding-DNA position 1357, C replaced by T.
Protein change: p.Gln453Ter; replaces glutamine 453 with a stop codon.
Molecular consequence: nonsense.
Genome position (GRCh38, 1-based): chr11:108,514,150, G>A on the plus strand (C>T on the coding strand, the complement: EXPH5 is on the minus strand). VCF-style: chr11-108514150-G-A. GRCh37 (hg19) VCF-style: chr11-108384877-G-A.
Other names: c.1129C>T, p.Gln377Ter (NM_001441072.1, NM_001144763.2, NM_001441061.1 and 5 more transcripts); c.1126C>T, p.Gln376Ter (NM_001441073.1, NM_001441074.1, NM_001441075.1); c.886C>T, p.Gln296Ter (NM_001441076.1); c.889C>T, p.Gln297Ter (NM_001144764.2); c.793C>T, p.Gln265Ter (NM_001144765.2); c.1336C>T, p.Gln446Ter (NM_001308019.2); c.1354C>T, p.Gln452Ter (NM_001441059.1); c.1333C>T, p.Gln445Ter (NM_001441060.1); short protein forms Q296*, Q445*, Q452*, Q377*, Q453*, Q265*, Q297*, Q376*.
Identifiers: ClinVar variation 5007775 (VCV005007775.2).